The following is an entry in ClinVar:

ClinVar aggregate classification (germline): Uncertain significance (1 of 4 stars; one submission).

gnomAD v4.1: 1 of 1,591,350 alleles (0.000063%); no homozygotes.

Submission:

Ambry Genetics
Classification: Uncertain significance. Last evaluated: 2025-05-01. Review status: criteria provided, single submitter. Criteria: Ambry Variant Classification Scheme 2023. Collection method: clinical testing. Allele origin: germline.
Comment: The p.A144V variant (also known as c.431C>T), located in coding exon 3 of the GFI1 gene, results from a C to T substitution at nucleotide position 431. The alanine at codon 144 is replaced by valine, an amino acid with similar properties. This amino acid position is conserved. In addition, this alteration is predicted to be tolerated by in silico analysis. Based on the available evidence, the clinical significance of this variant remains unclear.

NM_005263.5(GFI1):c.431C>T (p.Ala144Val)

Gene: GFI1 (growth factor independent 1 transcriptional repressor; minus strand). Cytogenetic location: 1p22.1.
Variant type: single nucleotide variant.
Coding change: c.431C>T on transcript NM_005263.5 (MANE Select); coding-DNA position 431, C replaced by T.
Protein change: p.Ala144Val; replaces alanine 144 with valine.
Molecular consequence: missense variant.
Genome position (GRCh38, 1-based): chr1:92,480,956, G>A on the plus strand (C>T on the coding strand, the complement: GFI1 is on the minus strand). VCF-style: chr1-92480956-G-A. GRCh37 (hg19) VCF-style: chr1-92946513-G-A.
Other names: c.431C>T, p.Ala144Val (NM_001127215.3, NM_001127216.3); short protein forms A144V.
Identifiers: ClinVar variation 4029410 (VCV004029410.1).
Genomic context (GRCh38, chr1:92,480,956, plus strand): 5'-GGGTGGCCAGGCTCCGGGGCGGGTTCGCAGAAGAGGCCCAGGCCAGCGCCACGCTCCAGG[G>A]CCCCACACGGTCGGTAGCTCTGCACCAGGTGCCGCAGGTCAGAACCCGCCAGGCCGCTCC-3'
Protein context (NP_005254.2, residues 134-154): HLVQSYRPCG[Ala144Val]LERGAGLGLF